The following is an entry in ClinVar:

ClinVar aggregate classification (germline): Benign/Likely benign. Review status: criteria provided, multiple submitters, no conflicts (2 of 4 stars). 2 submissions from 2 submitters: Benign (1); Likely benign (1). Last evaluated 2026-05-04.

Conditions:
Rubinstein-Taybi syndrome due to EP300 haploinsufficiency. Also called: RUBINSTEIN-TAYBI SYNDROME 2; EP300-Related Rubinstein-Taybi Syndrome. Identifiers: Orphanet 353284, Orphanet 783, MedGen C3150941, MONDO:0013364, OMIM 613684.
EP300-related disorder. Also called: EP300-related disorders; EP300-related condition.

gnomAD v4.1: 2 of 1,614,010 alleles (0.00012%); highest among the groups gnomAD compares: African/African-American, 0.0013%; no homozygotes.

Submissions (2):

PreventionGenetics, part of Exact Sciences
Classification: Likely benign for EP300-related condition. Last evaluated: 2026-05-04. Review status: criteria provided, single submitter. Criteria: ACMG Guidelines, 2015. Collection method: clinical testing. Allele origin: germline.
Comment: This variant is classified as likely benign based on ACMG/AMP sequence variant interpretation guidelines (Richards et al. 2015 PMID: 25741868, with internal and published modifications).

Labcorp Genetics (formerly Invitae), Labcorp
Classification: Benign for Rubinstein-Taybi syndrome due to EP300 haploinsufficiency. Last evaluated: 2025-05-18. Review status: criteria provided, single submitter. Criteria: Invitae Variant Classification Sherloc (09022015). Collection method: clinical testing. Allele origin: germline.

NM_001429.4(EP300):c.1911C>A (p.Ile637=)

Gene: EP300 (EP300 lysine acetyltransferase; plus strand). Cytogenetic location: 22q13.2.
Variant type: single nucleotide variant.
Coding change: c.1911C>A on transcript NM_001429.4 (MANE Select); coding-DNA position 1911, C replaced by A.
Protein change: p.Ile637=; no amino-acid change (isoleucine 637 retained).
Molecular consequence: synonymous variant.
Genome position (GRCh38, 1-based): chr22:41,141,080, C>A. VCF-style: chr22-41141080-C-A. GRCh37 (hg19) VCF-style: chr22-41537084-C-A.
Other names: c.1911C>A, p.Ile637= (NM_001362843.2); c.1911C>A (NM_001429.3).
Identifiers: ClinVar variation 4754369 (VCV004754369.2).